The following is an entry in ClinVar:

NM_007118.4(TRIO):c.5436C>T (p.Ala1812=)

Gene: TRIO (trio Rho guanine nucleotide exchange factor; plus strand). Cytogenetic location: 5p15.2.
Variant type: single nucleotide variant.
Coding change: c.5436C>T on transcript NM_007118.4 (MANE Select); coding-DNA position 5436, C replaced by T.
Protein change: p.Ala1812=; no amino-acid change (alanine 1812 retained).
Molecular consequence: synonymous variant. On other transcripts: non-coding transcript variant (1).
Genome position (GRCh38, 1-based): chr5:14,461,251, C>T. VCF-style: chr5-14461251-C-T. GRCh37 (hg19) VCF-style: chr5-14461360-C-T.
Identifiers: ClinVar variation 4534397 (VCV004534397.6).

ClinVar aggregate classification (germline): Likely benign (1 of 4 stars; one submission).

gnomAD v4.1: 9 of 1,593,594 alleles (0.00056%); highest among the groups gnomAD compares: Admixed American, 0.01%; no homozygotes.

Submission:

CeGaT Center for Human Genetics Tuebingen
Classification: Likely benign. Last evaluated: 2025-10-01. Review status: criteria provided, single submitter. Criteria: CeGaT Center For Human Genetics Tuebingen Variant Classification Criteria Version 2. Collection method: clinical testing. Allele origin: germline. Affected: yes. Observed: 1 variant allele.
Comment: TRIO: BP4, BP7